The following is an entry in ClinVar:

NM_001111.5(ADAR):c.2932G>T (p.Asp978Tyr)

Gene: ADAR (adenosine deaminase RNA specific; minus strand). Cytogenetic location: 1q21.3.
Variant type: single nucleotide variant.
Coding change: c.2932G>T on transcript NM_001111.5 (MANE Select); coding-DNA position 2932, G replaced by T.
Protein change: p.Asp978Tyr; replaces aspartic acid 978 with tyrosine.
Molecular consequence: missense variant.
Genome position (GRCh38, 1-based): chr1:154,588,212, C>A on the plus strand (G>T on the coding strand, the complement: ADAR is on the minus strand). VCF-style: chr1-154588212-C-A. GRCh37 (hg19) VCF-style: chr1-154560688-C-A.
Other names: c.2047G>T, p.Asp683Tyr (NM_001025107.3, NM_001193495.2, NM_001365046.1 and 2 more transcripts); c.2959G>T, p.Asp987Tyr (NM_001365045.1); c.1969G>T, p.Asp657Tyr (NM_001365049.1); c.2854G>T, p.Asp952Tyr (NM_015840.4); c.2797G>T, p.Asp933Tyr (NM_015841.4); short protein forms D683Y, D987Y, D657Y, D952Y, D978Y, D933Y.
Identifiers: ClinVar variation 4782694 (VCV004782694.1).

ClinVar aggregate classification (germline): Uncertain significance (1 of 4 stars; one submission).

Conditions:
Aicardi-Goutieres syndrome 6 (AGS6). Identifiers: Orphanet 51, MedGen C3539013, MONDO:0014007, OMIM 615010.
Symmetrical dyschromatosis of extremities (DSH). Also called: Dyschromatosis symmetrica hereditaria; DYSCHROMATOSIS SYMMETRICA HEREDITARIA 1; RETICULATE ACROPIGMENTATION OF DOHI; SYMMETRIC DYSCHROMATOSIS OF THE EXTREMITIES. Identifiers: Orphanet 41, MedGen C0406775, MONDO:0007483, OMIM 127400.

Submission:

Labcorp Genetics (formerly Invitae), Labcorp
Classification: Uncertain significance for Aicardi-Goutieres syndrome 6; Symmetrical dyschromatosis of extremities. Last evaluated: 2025-12-02. Review status: criteria provided, single submitter. Criteria: Invitae Variant Classification Sherloc (09022015). Collection method: clinical testing. Allele origin: germline.
Comment: This sequence change replaces aspartic acid, which is acidic and polar, with tyrosine, which is neutral and polar, at codon 978 of the ADAR protein (p.Asp978Tyr). This variant is not present in population databases (gnomAD no frequency). This variant has not been reported in the literature in individuals affected with ADAR-related conditions. Invitae Evidence Modeling of protein sequence and biophysical properties (such as structural, functional, and spatial information, amino acid conservation, physicochemical variation, residue mobility, and thermodynamic stability) indicates that this missense variant is not expected to disrupt ADAR protein function with a negative predictive value of 80%. In summary, the available evidence is currently insufficient to determine the role of this variant in disease. Therefore, it has been classified as a Variant of Uncertain Significance.